The following is an entry in ClinVar:

ClinVar aggregate classification (germline): Likely benign (1 of 4 stars; one submission).

Allele frequency attached by ClinVar (database versions not stated): ExAC 0.00003.

Submission:

CeGaT Center for Human Genetics Tuebingen
Classification: Likely benign. Last evaluated: 2023-03-01. Review status: criteria provided, single submitter. Criteria: CeGaT Center For Human Genetics Tuebingen Variant Classification Criteria Version 2. Collection method: clinical testing. Allele origin: germline. Affected: yes. Observed: 1 variant allele.
Comment: MLXIPL: BP4, BP7

NM_032951.3(MLXIPL):c.1821C>T (p.Ser607=)

Gene: MLXIPL (MLX interacting protein like; minus strand). Cytogenetic location: 7q11.23.
Variant type: single nucleotide variant.
Coding change: c.1821C>T on transcript NM_032951.3 (MANE Select); coding-DNA position 1821, C replaced by T.
Protein change: p.Ser607=; no amino-acid change (serine 607 retained).
Molecular consequence: synonymous variant.
Genome position (GRCh38, 1-based): chr7:73,596,640, G>A on the plus strand (C>T on the coding strand, the complement: MLXIPL is on the minus strand). VCF-style: chr7-73596640-G-A. GRCh37 (hg19) VCF-style: chr7-73010970-G-A.
Other names: c.1821C>T, p.Ser607= (NM_032952.3, NM_032953.3, NM_032954.3).
Identifiers: ClinVar variation 2657558 (VCV002657558.24), dbSNP rs782745942, ClinGen allele CA4289107.